The following is an entry in ClinVar:

ClinVar aggregate classification (germline): Likely pathogenic (1 of 4 stars; one submission).

Conditions:
Dilated cardiomyopathy 1G (CMD1G). Identifiers: Orphanet 154, MedGen C1858763, MONDO:0011400, OMIM 604145.
Autosomal recessive limb-girdle muscular dystrophy type 2J (LGMDR10). Also called: Limb-girdle muscular dystrophy, type 2J; MUSCULAR DYSTROPHY, LIMB-GIRDLE, AUTOSOMAL RECESSIVE 10. Identifiers: Orphanet 140922, MedGen C1837342, MONDO:0012127, OMIM 608807.

Submission:

Labcorp Genetics (formerly Invitae), Labcorp
Classification: Likely pathogenic for Dilated cardiomyopathy 1G; Autosomal recessive limb-girdle muscular dystrophy type 2J. Last evaluated: 2024-11-04. Review status: criteria provided, single submitter. Criteria: Invitae Variant Classification Sherloc (09022015). Collection method: clinical testing. Allele origin: germline.
Comment: This sequence change creates a premature translational stop signal (p.Lys3382*) in the TTN gene. While this is not anticipated to result in nonsense mediated decay, it is expected to create a truncated TTN protein. This variant is not present in population databases (gnomAD no frequency). This variant has not been observed in the literature in individuals with autosomal recessive TTN-related conditions. This variant has been reported in individual(s) with autosomal dominant dilated cardiomyopathy (internal data); however, the role of the variant in this condition is currently unclear. ClinVar contains an entry for this variant (Variation ID: 2116786). This variant is located in the I band of TTN (PMID: 25589632). Truncating variants in this region have been reported in individuals affected with autosomal recessive centronuclear myopathy (PMID: 23975875, internal data). Truncating variants in this region have also been identified in individuals affected with autosomal dominant dilated cardiomyopathy and/or cardio-related conditions (PMID: 27869827, 32964742, internal data). In summary, the currently available evidence indicates that the variant is pathogenic, but additional data are needed to prove that conclusively. Therefore, this variant has been classified as Likely Pathogenic.

Literature cited by the submitters: PubMed 25589632; PubMed 23975875; PubMed 27869827; PubMed 32964742.

NM_001267550.2(TTN):c.10144A>T (p.Lys3382Ter)

Gene: TTN (titin; minus strand). Cytogenetic location: 2q31.2.
Variant type: single nucleotide variant.
Coding change: c.10144A>T on transcript NM_001267550.2 (MANE Select); coding-DNA position 10144, A replaced by T.
Protein change: p.Lys3382Ter; replaces lysine 3382 with a stop codon.
Molecular consequence: nonsense.
Genome position (GRCh38, 1-based): chr2:178,759,143, T>A on the plus strand (A>T on the coding strand, the complement: TTN is on the minus strand). VCF-style: chr2-178759143-T-A. GRCh37 (hg19) VCF-style: chr2-179623870-T-A.
Other names: c.10144A>T, p.Lys3382Ter (NM_001256850.1, NM_133378.4, NM_133379.5); c.10006A>T, p.Lys3336Ter (NM_003319.4, NM_133432.3, NM_133437.4); short protein forms K3382*, K3336*.
Identifiers: ClinVar variation 2116786 (VCV002116786.4), dbSNP rs2531938791, ClinGen allele CA349673611.
Genomic context (GRCh38, chr2:178,759,143, plus strand): 5'-CCAGTTGATAAGTGTCTTCAAATTGAGTCATTCTAAAGAACCGAGATGGCTTGATTTTCT[T>A]GTCTTTGCTGTACCACGACACTTTTAGATCTGCGACACAAAAGAAAAGAGATACTTCAAC-3'